The following is an entry in ClinVar:

NM_000081.4(LYST):c.527G>A (p.Gly176Asp)

Gene: LYST (lysosomal trafficking regulator; minus strand). Cytogenetic location: 1q42.3.
Variant type: single nucleotide variant.
Coding change: c.527G>A on transcript NM_000081.4 (MANE Select); coding-DNA position 527, G replaced by A.
Protein change: p.Gly176Asp; replaces glycine 176 with aspartic acid.
Molecular consequence: missense variant.
Genome position (GRCh38, 1-based): chr1:235,810,291, C>T on the plus strand (G>A on the coding strand, the complement: LYST is on the minus strand). VCF-style: chr1-235810291-C-T. GRCh37 (hg19) VCF-style: chr1-235973591-C-T.
Other names: c.527G>A, p.Gly176Asp (NM_001301365.1); short protein forms G176D.
Identifiers: ClinVar variation 1008158 (VCV001008158.6), dbSNP rs756923995, ClinGen allele CA1467611.
Genomic context (GRCh38, chr1:235,810,291, plus strand): 5'-GGAAACGATGTTAAAAAATGATGCAGCAGATGGGGCCTTCTATGCTTATTCATTGCTATG[C>T]CTTTTTCATCTGAATTGGCTTCTGAATCTGAGGTGGAGAGCTGTGTCTTTCTTGCATCTC-3'
Protein context (NP_000072.2, residues 166-186): SDSEANSDEK[Gly176Asp]IAMNKHRRPH

ClinVar aggregate classification (germline): Uncertain significance (1 of 4 stars; one submission).

Conditions:
Chédiak-Higashi syndrome (CHS). Also called: Chediak-Higashi Syndrome. Identifiers: Orphanet 167, MedGen C0007965, MONDO:0008963, OMIM 214500.

gnomAD v4.1: 1 of 1,614,108 alleles (0.000062%); highest among the groups gnomAD compares: Non-Finnish European, 0.000085%; no homozygotes.

Submission:

Labcorp Genetics (formerly Invitae), Labcorp
Classification: Uncertain significance for Chédiak-Higashi syndrome. Last evaluated: 2022-07-05. Review status: criteria provided, single submitter. Criteria: Invitae Variant Classification Sherloc (09022015). Collection method: clinical testing. Allele origin: germline.
Comment: This sequence change replaces glycine, which is neutral and non-polar, with aspartic acid, which is acidic and polar, at codon 176 of the LYST protein (p.Gly176Asp). This variant is present in population databases (rs756923995, gnomAD 0.0009%). This variant has not been reported in the literature in individuals affected with LYST-related conditions. ClinVar contains an entry for this variant (Variation ID: 1008158). Algorithms developed to predict the effect of missense changes on protein structure and function (SIFT, PolyPhen-2, Align-GVGD) all suggest that this variant is likely to be tolerated. In summary, the available evidence is currently insufficient to determine the role of this variant in disease. Therefore, it has been classified as a Variant of Uncertain Significance.